The following is an entry in ClinVar:

ClinVar aggregate classification (germline): Uncertain significance. Review status: criteria provided, multiple submitters, no conflicts (2 of 4 stars). 2 submissions from 2 submitters: Uncertain significance (2). Last evaluated 2025-08-25.

Conditions:
Parathyroid carcinoma (PRTC). Also called: CDC73-Related Parathyroid Carcinoma; Parathyroid gland carcinoma. Identifiers: Orphanet 143, MedGen C0687150, MONDO:0012004, OMIM 608266, HP:0006780.
Hereditary cancer-predisposing syndrome. Also called: Neoplastic Syndromes, Hereditary; Hereditary Cancer Syndrome; Hereditary neoplastic syndrome; Tumor predisposition. Identifiers: Orphanet 140162, MedGen C0027672, MeSH D009386, MONDO:0015356.

Allele frequency attached by ClinVar (database versions not stated): gnomAD exomes below 0.00001.
gnomAD v4.1: 2 of 1,613,344 alleles (0.00012%); highest among the groups gnomAD compares: Non-Finnish European, 0.00017%; no homozygotes.

Submissions (2):

Ambry Genetics
Classification: Uncertain significance for Hereditary cancer-predisposing syndrome. Last evaluated: 2025-08-25. Review status: criteria provided, single submitter. Criteria: Ambry Variant Classification Scheme 2023. Collection method: clinical testing. Allele origin: germline.
Comment: The p.N291S variant (also known as c.872A>G), located in coding exon 9 of the CDC73 gene, results from an A to G substitution at nucleotide position 872. The asparagine at codon 291 is replaced by serine, an amino acid with highly similar properties. This amino acid position is conserved. In addition, this alteration is predicted to be tolerated by in silico analysis. Since supporting evidence is limited at this time, the clinical significance of this alteration remains unclear.

Labcorp Genetics (formerly Invitae), Labcorp
Classification: Uncertain significance for Parathyroid carcinoma. Last evaluated: 2024-04-15. Review status: criteria provided, single submitter. Criteria: Invitae Variant Classification Sherloc (09022015). Collection method: clinical testing. Allele origin: germline.
Comment: This sequence change replaces asparagine, which is neutral and polar, with serine, which is neutral and polar, at codon 291 of the CDC73 protein (p.Asn291Ser). This variant is not present in population databases (gnomAD no frequency). This variant has not been reported in the literature in individuals affected with CDC73-related conditions. ClinVar contains an entry for this variant (Variation ID: 1418663). Advanced modeling of protein sequence and biophysical properties (such as structural, functional, and spatial information, amino acid conservation, physicochemical variation, residue mobility, and thermodynamic stability) performed at Invitae indicates that this missense variant is not expected to disrupt CDC73 protein function with a negative predictive value of 80%. In summary, the available evidence is currently insufficient to determine the role of this variant in disease. Therefore, it has been classified as a Variant of Uncertain Significance.

NM_024529.5(CDC73):c.872A>G (p.Asn291Ser)

Gene: CDC73 (cell division cycle 73; plus strand). Cytogenetic location: 1q31.2.
Variant type: single nucleotide variant.
Coding change: c.872A>G on transcript NM_024529.5 (MANE Select); coding-DNA position 872, A replaced by G.
Protein change: p.Asn291Ser; replaces asparagine 291 with serine.
Molecular consequence: missense variant.
Genome position (GRCh38, 1-based): chr1:193,150,347, A>G. VCF-style: chr1-193150347-A-G. GRCh37 (hg19) VCF-style: chr1-193119477-A-G.
Other names: c.872A>G (NM_024529.4); short protein forms N291S.
Identifiers: ClinVar variation 1418663 (VCV001418663.11), dbSNP rs2103132204, ClinGen allele CA343965050.